The following is an entry in ClinVar:

ClinVar aggregate classification (germline): Benign/Likely benign. Review status: criteria provided, multiple submitters, no conflicts (2 of 4 stars). 4 submissions from 4 submitters: Benign (1); Likely benign (3). Last evaluated 2025-07-28.

Conditions:
Inborn genetic diseases. Identifiers: MedGen C0950123, MeSH D030342.
Rubinstein-Taybi syndrome due to EP300 haploinsufficiency. Also called: RUBINSTEIN-TAYBI SYNDROME 2; EP300-Related Rubinstein-Taybi Syndrome. Identifiers: Orphanet 353284, Orphanet 783, MedGen C3150941, MONDO:0013364, OMIM 613684.
EP300-related disorder. Also called: EP300-related condition; EP300-related disorders.

Allele frequency attached by ClinVar (database versions not stated): gnomAD 0.00001; TOPMed 0.00002.
gnomAD v4.1: 18 of 1,613,926 alleles (0.0011%); highest among the groups gnomAD compares: Middle Eastern, 0.016%; no homozygotes.

Submissions (4):

Labcorp Genetics (formerly Invitae), Labcorp
Classification: Benign for Rubinstein-Taybi syndrome due to EP300 haploinsufficiency. Last evaluated: 2025-07-28. Review status: criteria provided, single submitter. Criteria: Invitae Variant Classification Sherloc (09022015). Collection method: clinical testing. Allele origin: germline.

PreventionGenetics, part of Exact Sciences
Classification: Likely benign for EP300-related condition. Last evaluated: 2025-02-19. Review status: criteria provided, single submitter. Criteria: ACMG Guidelines, 2015. Collection method: clinical testing. Allele origin: germline.
Comment: This variant is classified as likely benign based on ACMG/AMP sequence variant interpretation guidelines (Richards et al. 2015 PMID: 25741868, with internal and published modifications).

Ambry Genetics
Classification: Likely benign for Inborn genetic diseases. Last evaluated: 2024-09-27. Review status: criteria provided, single submitter. Criteria: Ambry Variant Classification Scheme 2023. Collection method: clinical testing. Allele origin: germline.

CeGaT Center for Human Genetics Tuebingen
Classification: Likely benign. Last evaluated: 2024-08-01. Review status: criteria provided, single submitter. Criteria: CeGaT Center For Human Genetics Tuebingen Variant Classification Criteria Version 2. Collection method: clinical testing. Allele origin: germline. Affected: yes. Observed: 1 variant allele.
Comment: EP300: BS2

NM_001429.4(EP300):c.6863A>G (p.Gln2288Arg)

Gene: EP300 (EP300 lysine acetyltransferase; plus strand). Cytogenetic location: 22q13.2.
Variant type: single nucleotide variant.
Coding change: c.6863A>G on transcript NM_001429.4 (MANE Select); coding-DNA position 6863, A replaced by G.
Protein change: p.Gln2288Arg; replaces glutamine 2288 with arginine.
Molecular consequence: missense variant.
Genome position (GRCh38, 1-based): chr22:41,178,574, A>G. VCF-style: chr22-41178574-A-G. GRCh37 (hg19) VCF-style: chr22-41574578-A-G.
Other names: c.6863A>G (NM_001429.3); c.6785A>G, p.Gln2262Arg (NM_001362843.2); short protein forms Q2288R, Q2262R.
Identifiers: ClinVar variation 2854720 (VCV002854720.21), dbSNP rs943142293, ClinGen allele CA324519948.